The following is an entry in ClinVar:

ClinVar aggregate classification (germline): Pathogenic. Review status: criteria provided, single submitter (1 of 4 stars). 2 submissions from 2 submitters: Pathogenic (1). 1 of the submissions does not count toward it. Last evaluated 2022-12-02.

Conditions:
Hyperphenylalaninemia due to DNAJC12 deficiency. Also called: Hyperphenylalaninemia, mild, non-bh4-deficient. Identifiers: Orphanet 508523, MedGen C4479270, MONDO:0044304, OMIM 617384.

Submissions (2):

GeneDx
Classification: Pathogenic. Last evaluated: 2022-12-02. Review status: criteria provided, single submitter. Criteria: GeneDx Variant Classification Process June 2021. Collection method: clinical testing. Allele origin: germline. Affected: yes.
Comment: Canonical splice site variant predicted to result in a null allele in a gene for which loss of function is a known mechanism of disease; Not observed at significant frequency in large population cohorts (gnomAD); This variant is associated with the following publications: (PMID: 35281663, 34014443, 32333439)

Centro de Biología Molecular Severo Ochoa, Universidad Autónoma de Madrid
Classification: Pathogenic for Hyperphenylalaninemia due to DNAJC12 deficiency. Last evaluated: 2020-02-12. Review status: no assertion criteria provided. Collection method: research. Allele origin: inherited. Affected: yes. Not counted in ClinVar's aggregate classification.

Literature cited by the submitters: PubMed 32333439 (cited by Centro de Biología Molecular Severo Ochoa, Universidad Autónoma de Madrid).

NM_021800.3(DNAJC12):c.502+1G>C

Gene: DNAJC12 (DnaJ heat shock protein family (Hsp40) member C12; minus strand). Cytogenetic location: 10q21.3.
Variant type: single nucleotide variant.
Coding change: c.502+1G>C on transcript NM_021800.3 (MANE Select); the canonical splice donor site of the intron after coding-DNA position 502, G replaced by C.
Molecular consequence: splice donor variant.
Genome position (GRCh38, 1-based): chr10:67,805,582, C>G on the plus strand (G>C on the coding strand, the complement: DNAJC12 is on the minus strand). VCF-style: chr10-67805582-C-G. GRCh37 (hg19) VCF-style: chr10-69565340-C-G.
Identifiers: ClinVar variation 870654 (VCV000870654.2), dbSNP rs755829473, ClinGen allele CA377102925.